The following is an entry in ClinVar:

ClinVar aggregate classification (germline): Uncertain significance. Review status: criteria provided, multiple submitters, no conflicts (2 of 4 stars). 5 submissions from 5 submitters: Uncertain significance (4). 1 of the submissions does not count toward it. Last evaluated 2021-10-27.

Conditions:
Hereditary spastic paraplegia 49 (HSAN9). Also called: Spastic paraplegia 49, autosomal recessive; NEUROPATHY, HEREDITARY SENSORY AND AUTONOMIC, TYPE IX, WITH DEVELOPMENTAL DELAY; TECPR2-Related Hereditary Sensory and Autonomic Neuropathy with Intellectual Disability. Identifiers: Orphanet 320385, MedGen C5190860, MONDO:0014016, OMIM 615031.
Hereditary spastic paraplegia. Also called: Familial spastic paraparesis. Identifiers: Orphanet 685, MedGen C0037773, MONDO:0019064. Disease mechanism: loss of function.

Allele frequency attached by ClinVar (database versions not stated): gnomAD 0.00001; TOPMed 0.00001; gnomAD exomes 0.00002 and 0.00004; ExAC 0.00006.
gnomAD v4.1: 31 of 1,614,038 alleles (0.0019%); highest among the groups gnomAD compares: South Asian, 0.015%; no homozygotes.

Submissions (5):

Women's Health and Genetics/Laboratory Corporation of America, LabCorp
Classification: Uncertain significance. Last evaluated: 2021-10-27. Review status: criteria provided, single submitter. Criteria: LabCorp Variant Classification Summary - May 2015. Collection method: clinical testing. Allele origin: germline.
Comment: Variant summary: TECPR2 c.2708C>T (p.Thr903Met) results in a non-conservative amino acid change in the encoded protein sequence. Four of five in-silico tools predict a damaging effect of the variant on protein function. The variant allele was found at a frequency of 4e-05 in 251228 control chromosomes. This frequency is not significantly higher than expected for a pathogenic variant in TECPR2 causing Hereditary Spastic Paraplegia, Type 49 (4e-05 vs 0.0011), allowing no conclusion about variant significance. c.2708C>T has been reported in the literature an individual with clinical features of hereditary spastic paraplegia who carried the variant in the compound heterozygous state (Covone_2016). To our knowledge, no experimental evidence demonstrating an impact on protein function has been reported. Two clinical diagnostic laboratories have submitted clinical-significance assessments for this variant to ClinVar after 2014 without evidence for independent evaluation. All laboratories classified the variant as uncertain significance. Based on the evidence outlined above, the variant was classified as uncertain significance.

Labcorp Genetics (formerly Invitae), Labcorp
Classification: Uncertain significance for Hereditary spastic paraplegia 49. Last evaluated: 2021-10-18. Review status: criteria provided, single submitter. Criteria: Invitae Variant Classification Sherloc (09022015). Collection method: clinical testing. Allele origin: germline.
Comment: This sequence change replaces threonine with methionine at codon 903 of the TECPR2 protein (p.Thr903Met). The threonine residue is moderately conserved and there is a moderate physicochemical difference between threonine and methionine. This variant is present in population databases (rs752912949, ExAC 0.02%). This missense change has been observed in individual(s) with clinical features of hereditary spastic paraplegia (PMID: 27406698). Algorithms developed to predict the effect of missense changes on protein structure and function are either unavailable or do not agree on the potential impact of this missense change (SIFT: "Deleterious"; PolyPhen-2: "Benign"; Align-GVGD: "Class C0"). In summary, the available evidence is currently insufficient to determine the role of this variant in disease. Therefore, it has been classified as a Variant of Uncertain Significance.

Institute of Human Genetics, University of Leipzig Medical Center
Classification: Uncertain significance for Hereditary spastic paraplegia 49. Last evaluated: 2020-07-11. Review status: criteria provided, single submitter. Criteria: ACMG Guidelines, 2015. Collection method: curation. Allele origin: maternal. Inheritance: Autosomal recessive inheritance. Observed: 1 compound heterozygote.
Comment: The variant is maternally inherited. This missense variant c.2708C>T, p.(Thr903Met) in exon 11/20 of the TECPR2 has not been reported in public mutation databases. In the general population the minor allele frequency is 0.00003980 (gnomAD). Biallelic truncating or missense variants have been described to cause "Spastic paraplegia 49, autosomal recessive" (Oz-Levi et al. Am J Hum Genet. 2012, PMID: 23176824). Multiple in silico-tools predict this variant as damaging. Taken together, we classify this variant as of unknown significance based on the ACMG recommendations (Richards et al., 2015, PMID 25741868; criteria: PM2 PP3).

Genome Diagnostics Laboratory, The Hospital for Sick Children
Classification: Uncertain significance for Hereditary spastic paraplegia. Last evaluated: 2016-12-12. Review status: criteria provided, single submitter. Criteria: ACMG Guidelines, 2015. Collection method: clinical testing. Allele origin: germline. Affected: yes.

Natera, Inc.
Classification: Uncertain significance for Autosomal recessive spastic paraplegia type 49. Last evaluated: 2020-11-04. Review status: no assertion criteria provided. Collection method: clinical testing. Allele origin: germline. Not counted in ClinVar's aggregate classification.

Literature cited by the submitters: PubMed 30681437 (cited by Women's Health and Genetics/Laboratory Corporation of America, LabCorp); PubMed 27406698 (cited by Women's Health and Genetics/Laboratory Corporation of America, LabCorp and Labcorp Genetics (formerly Invitae), Labcorp); PubMed 33847017 (cited by Women's Health and Genetics/Laboratory Corporation of America, LabCorp); PubMed 32209221 (cited by Women's Health and Genetics/Laboratory Corporation of America, LabCorp).

NM_014844.5(TECPR2):c.2708C>T (p.Thr903Met)

Gene: TECPR2 (tectonin beta-propeller repeat containing 2; plus strand). Cytogenetic location: 14q32.31.
Variant type: single nucleotide variant.
Coding change: c.2708C>T on transcript NM_014844.5 (MANE Select); coding-DNA position 2708, C replaced by T.
Protein change: p.Thr903Met; replaces threonine 903 with methionine.
Molecular consequence: missense variant.
Genome position (GRCh38, 1-based): chr14:102,440,565, C>T. VCF-style: chr14-102440565-C-T. GRCh37 (hg19) VCF-style: chr14-102906902-C-T.
Other names: c.2708C>T, p.Thr903Met (NM_001172631.3); short protein forms T903M.
Identifiers: ClinVar variation 967521 (VCV000967521.14), dbSNP rs752912949, ClinGen allele CA7358017.